The following is an entry in ClinVar:

ClinVar aggregate classification (germline): Pathogenic (1 of 4 stars; one submission).

Submission:

GeneDx
Classification: Pathogenic. Last evaluated: 2026-01-20. Review status: criteria provided, single submitter. Criteria: GeneDx Variant Classification Process June 2021. Collection method: clinical testing. Allele origin: germline. Affected: yes.
Comment: Not observed at significant frequency in large population cohorts (gnomAD); Nonsense variant predicted to result in protein truncation or nonsense mediated decay in a gene for which loss of function is a known mechanism of disease; This variant is associated with the following publications: (PMID: 18077133, 31886927, 23884777)

NM_000516.7(GNAS):c.507C>G (p.Tyr169Ter)

Gene: GNAS (GNAS complex locus; plus strand). Cytogenetic location: 20q13.32.
Variant type: single nucleotide variant.
Coding change: c.507C>G on transcript NM_000516.7 (MANE Select); coding-DNA position 507, C replaced by G.
Protein change: p.Tyr169Ter; replaces tyrosine 169 with a stop codon.
Molecular consequence: nonsense. On other transcripts: 3 prime UTR variant (2).
Genome position (GRCh38, 1-based): chr20:58,905,457, C>G. VCF-style: chr20-58905457-C-G. GRCh37 (hg19) VCF-style: chr20-57480512-C-G.
Other names: c.510C>G, p.Tyr170Ter (NM_001077488.5); c.462C>G, p.Tyr154Ter (NM_001077489.4); c.*368C>G (NM_001077490.3); c.330C>G, p.Tyr110Ter (NM_001309840.2, NM_001309861.2); c.411C>G, p.Tyr137Ter (NM_001410912.1); c.2391C>G, p.Tyr797Ter (NM_001410913.1); c.*413C>G (NM_016592.5); c.2436C>G, p.Tyr812Ter (NM_080425.4); and 1 more; short protein forms Y110*, Y137*, Y154*, Y155*, Y169*, Y170*, Y797*, Y812*.
Identifiers: ClinVar variation 3338829 (VCV003338829.2).